The following is an entry in ClinVar:

ClinVar aggregate classification (germline): Uncertain significance (1 of 4 stars; one submission).

Conditions:
PCNT-related disorder. Also called: PCNT-related condition.

gnomAD v4.1: 13 of 1,607,822 alleles (0.00081%); highest among the groups gnomAD compares: East Asian, 0.016%; no homozygotes.

Submission:

PreventionGenetics, part of Exact Sciences
Classification: Uncertain significance for PCNT-related condition. Last evaluated: 2025-06-20. Review status: criteria provided, single submitter. Criteria: ACMG Guidelines, 2015. Collection method: clinical testing. Allele origin: germline.
Comment: The PCNT c.544C>T variant is predicted to result in the amino acid substitution p.Arg182Cys. To our knowledge, this variant has not been reported in the literature in individuals with PCNT-related disorders. This variant is reported in 0.040% of alleles in individuals of East Asian descent in gnomAD. At this time, the clinical significance of this variant is uncertain due to the absence of conclusive functional and genetic evidence.

NM_006031.6(PCNT):c.544C>T (p.Arg182Cys)

Gene: PCNT (pericentrin; plus strand). Cytogenetic location: 21q22.3.
Variant type: single nucleotide variant.
Coding change: c.544C>T on transcript NM_006031.6 (MANE Select); coding-DNA position 544, C replaced by T.
Protein change: p.Arg182Cys; replaces arginine 182 with cysteine.
Molecular consequence: missense variant.
Genome position (GRCh38, 1-based): chr21:46,334,673, C>T. VCF-style: chr21-46334673-C-T. GRCh37 (hg19) VCF-style: chr21-47754587-C-T.
Other names: c.190C>T, p.Arg64Cys (NM_001315529.2); short protein forms R182C, R64C.
Identifiers: ClinVar variation 4977221 (VCV004977221.1).